The following is an entry in ClinVar:

ClinVar aggregate classification (germline): Likely benign. Review status: criteria provided, multiple submitters, no conflicts (2 of 4 stars). 3 submissions from 3 submitters: Likely benign (2). 1 of the submissions does not count toward it. Last evaluated 2025-12-30.

Conditions:
COL18A1-related disorder. Also called: COL18A1-related condition; COL18A1-related disorders.

Allele frequency attached by ClinVar (database versions not stated): gnomAD exomes below 0.00001.
gnomAD v4.1: 1 of 1,614,148 alleles (0.000062%); no homozygotes.

Submissions (3):

Women's Health and Genetics/Laboratory Corporation of America, LabCorp
Classification: Likely benign. Last evaluated: 2025-12-30. Review status: criteria provided, single submitter. Criteria: LabCorp Variant Classification Summary - May 2015. Collection method: clinical testing. Allele origin: germline.

Labcorp Genetics (formerly Invitae), Labcorp
Classification: Likely benign. Last evaluated: 2025-10-26. Review status: criteria provided, single submitter. Criteria: Invitae Variant Classification Sherloc (09022015). Collection method: clinical testing. Allele origin: germline.

PreventionGenetics, part of Exact Sciences
Classification: Likely benign for COL18A1-related condition. Last evaluated: 2023-02-24. Review status: no assertion criteria provided. Collection method: clinical testing. Allele origin: germline. Not counted in ClinVar's aggregate classification.
Comment: This variant is classified as likely benign based on ACMG/AMP sequence variant interpretation guidelines (Richards et al. 2015 PMID: 25741868, with internal and published modifications).

NM_001379500.1(COL18A1):c.861A>G (p.Gly287=)

Gene: COL18A1 (collagen type XVIII alpha 1 chain; plus strand). Cytogenetic location: 21q22.3.
Variant type: single nucleotide variant.
Coding change: c.861A>G on transcript NM_001379500.1 (MANE Select); coding-DNA position 861, A replaced by G.
Protein change: p.Gly287=; no amino-acid change (glycine 287 retained).
Molecular consequence: synonymous variant.
Genome position (GRCh38, 1-based): chr21:45,476,413, A>G. VCF-style: chr21-45476413-A-G. GRCh37 (hg19) VCF-style: chr21-46896327-A-G.
Other names: c.1401A>G (NM_030582.3); c.1401A>G, p.Gly467= (NM_030582.4); c.2106A>G, p.Gly702= (NM_130444.3).
Identifiers: ClinVar variation 1620690 (VCV001620690.11), dbSNP rs1429208025, ClinGen allele CA512709670.